The following is an entry in ClinVar:

NM_000062.3(SERPING1):c.377_378del (p.Pro126fs)

Gene: SERPING1 (serpin family G member 1; plus strand). Cytogenetic location: 11q12.1.
Variant type: Deletion.
Coding change: c.377_378del on transcript NM_000062.3 (MANE Select); coding-DNA positions 377 to 378, 2 bases deleted (CT; older notation c.377_378delCT).
Protein change: p.Pro126fs; shifts the reading frame from proline 126.
Molecular consequence: frameshift variant.
Genome position (GRCh38, 1-based): chr11:57,600,204-57,600,205, CT deleted. VCF-style (leftmost placement, unchanged base first): chr11-57600203-CCT-C. GRCh37 (hg19) VCF-style: chr11-57367676-CCT-C.
Other names: c.377_378del, p.Pro126fs (NM_001032295.2); c.377_378delCT (NM_000062.3); short protein forms P126fs.
Identifiers: ClinVar variation 3255480 (VCV003255480.2), dbSNP rs2495426301.

ClinVar aggregate classification (germline): Pathogenic (1 of 4 stars; one submission).

Conditions:
Hereditary angioedema type 1 (HAE1). Identifiers: Orphanet 100050, Orphanet 100051, Orphanet 91378, MedGen C2717906, MONDO:0015053, OMIM 106100.

Submission:

DNA-diagnostics Laboratory, Research Centre For Medical Genetics
Classification: Pathogenic for Hereditary angioedema type 1. Last evaluated: 2024-07-20. Review status: criteria provided, single submitter. Criteria: ACMG Guidelines, 2015. Collection method: research. Allele origin: germline. Inheritance: Autosomal dominant inheritance. Affected: yes. Observed: 1 heterozygote.
Comment: The c.377_378delCT variant in SERPING1 meets ACMG/ClinGen SVI guidance criteria to be classified as pathogenic: PVS1, PM2_Sup, PP4